The following is an entry in ClinVar:

ClinVar aggregate classification (germline): Conflicting classifications of pathogenicity. Review status: criteria provided, conflicting classifications (1 of 4 stars). 2 submissions from 2 submitters: Uncertain significance (1); Likely benign (1). Last evaluated 2025-12-04.

Conditions:
Inborn genetic diseases. Identifiers: MedGen C0950123, MeSH D030342.
Joubert syndrome. Also called: CEREBELLOPARENCHYMAL DISORDER IV; JOUBERT-BOLTSHAUSER SYNDROME; Familial aplasia of the vermis. Identifiers: Orphanet 475, MedGen C5979921, MONDO:0018772.
Nephronophthisis. Also called: Juvenile Nephronophthisis. Identifiers: Orphanet 655, MedGen C0687120, MONDO:0019005, HP:0000090.
Meckel-Gruber syndrome. Also called: DYSENCEPHALIA SPLANCHNOCYSTICA; GRUBER SYNDROME; Dysencephalia splachnocystica. Identifiers: Orphanet 564, MedGen C0265215, MONDO:0018921.

Allele frequency attached by ClinVar (database versions not stated): gnomAD exomes below 0.00001; TOPMed 0.00001.
gnomAD v4.1: 2 of 1,613,978 alleles (0.00012%); highest among the groups gnomAD compares: Admixed American, 0.0033%; no homozygotes.

Submissions (2):

Ambry Genetics
Classification: Likely benign for Inborn genetic diseases. Last evaluated: 2025-12-04. Review status: criteria provided, single submitter. Criteria: Ambry Variant Classification Scheme 2023. Collection method: clinical testing. Allele origin: germline.

Labcorp Genetics (formerly Invitae), Labcorp
Classification: Uncertain significance for Joubert syndrome; Meckel-Gruber syndrome; Nephronophthisis. Last evaluated: 2022-08-06. Review status: criteria provided, single submitter. Criteria: Invitae Variant Classification Sherloc (09022015). Collection method: clinical testing. Allele origin: germline.
Comment: This sequence change replaces phenylalanine, which is neutral and non-polar, with leucine, which is neutral and non-polar, at codon 2250 of the CEP290 protein (p.Phe2250Leu). This variant is present in population databases (no rsID available, gnomAD 0.003%). This variant has not been reported in the literature in individuals affected with CEP290-related conditions. Algorithms developed to predict the effect of missense changes on protein structure and function output the following: SIFT: "Tolerated"; PolyPhen-2: "Benign"; Align-GVGD: "Class C0". The leucine amino acid residue is found in multiple mammalian species, which suggests that this missense change does not adversely affect protein function. In summary, the available evidence is currently insufficient to determine the role of this variant in disease. Therefore, it has been classified as a Variant of Uncertain Significance.

NM_025114.4(CEP290):c.6750T>G (p.Phe2250Leu)

Gene: CEP290 (centrosomal protein 290; minus strand). Cytogenetic location: 12q21.32.
Variant type: single nucleotide variant.
Coding change: c.6750T>G on transcript NM_025114.4 (MANE Select); coding-DNA position 6750, T replaced by G.
Protein change: p.Phe2250Leu; replaces phenylalanine 2250 with leucine.
Molecular consequence: missense variant.
Genome position (GRCh38, 1-based): chr12:88,058,916, A>C on the plus strand (T>G on the coding strand, the complement: CEP290 is on the minus strand). VCF-style: chr12-88058916-A-C. GRCh37 (hg19) VCF-style: chr12-88452693-A-C.
Other names: c.6750T>G (NM_025114.3); short protein forms F2250L.
Identifiers: ClinVar variation 2139395 (VCV002139395.2), dbSNP rs1478489747, ClinGen allele CA385977422.